The following is an entry in ClinVar:

ClinVar aggregate classification (germline): Benign/Likely benign. Review status: criteria provided, multiple submitters, no conflicts (2 of 4 stars). 4 submissions from 4 submitters: Benign (2); Likely benign (2). Last evaluated 2026-04-01.

Conditions:
Cone-rod dystrophy 7 (CORD7). Identifiers: Orphanet 1872, MedGen C1863634, MONDO:0011355, OMIM 603649.

Allele frequency attached by ClinVar (database versions not stated): gnomAD exomes 0.00129; ExAC 0.00148; 1000 Genomes Project 0.00379; gnomAD 0.00379 and 0.00409; 1000 Genomes Project 30x 0.00422; TOPMed 0.00441; ESP Exome Variant Server 0.00495.
gnomAD v4.1: 1,723 of 1,607,328 alleles (0.11%); highest among the groups gnomAD compares: African/African-American, 1.3%; 9 homozygotes.

Submissions (4):

CeGaT Center for Human Genetics Tuebingen
Classification: Likely benign. Last evaluated: 2026-04-01. Review status: criteria provided, single submitter. Criteria: CeGaT Center For Human Genetics Tuebingen Variant Classification Criteria Version 2. Collection method: clinical testing. Allele origin: germline. Affected: yes. Observed: 2 variant alleles.
Comment: RIMS1: BP4, BP7, BS1

Labcorp Genetics (formerly Invitae), Labcorp
Classification: Benign. Last evaluated: 2026-01-21. Review status: criteria provided, single submitter. Criteria: Invitae Variant Classification Sherloc (09022015). Collection method: clinical testing. Allele origin: germline.

Blueprint Genetics
Classification: Likely benign. Last evaluated: 2024-10-15. Review status: criteria provided, single submitter. Criteria: ACMG Guidelines, 2015. Collection method: clinical testing. Allele origin: germline.

Illumina Laboratory Services, Illumina
Classification: Benign for Cone-rod dystrophy 7. Last evaluated: 2018-01-13. Review status: criteria provided, single submitter. Criteria: ICSL Variant Classification Criteria 13 December 2019. Collection method: clinical testing. Allele origin: germline.
Comment: This variant was observed in the ICSL laboratory as part of a predisposition screen in an ostensibly healthy population. It had not been previously curated by ICSL or reported in the Human Gene Mutation Database (HGMD: prior to June 1st, 2018), and was therefore a candidate for classification through an automated scoring system. Utilizing variant allele frequency, disease prevalence and penetrance estimates, and inheritance mode, an automated score was calculated to assess if this variant is too frequent to cause the disease. Based on the score and internal cut-off values, a variant classified as benign is not then subjected to further curation. The score for this variant resulted in a classification of benign for this disease.

NM_014989.7(RIMS1):c.5076A>G (p.Ser1692=)

Gene: RIMS1 (regulating synaptic membrane exocytosis 1; plus strand). Cytogenetic location: 6q13.
Variant type: single nucleotide variant.
Coding change: c.5076A>G on transcript NM_014989.7 (MANE Select); coding-DNA position 5076, A replaced by G.
Protein change: p.Ser1692=; no amino-acid change (serine 1692 retained).
Molecular consequence: synonymous variant.
Genome position (GRCh38, 1-based): chr6:72,400,711, A>G. VCF-style: chr6-72400711-A-G. GRCh37 (hg19) VCF-style: chr6-73110413-A-G.
Other names: c.3036A>G, p.Ser1012= (NM_001168407.2); c.2451A>G, p.Ser817= (NM_001168408.2, NM_001350430.2); c.2280A>G, p.Ser760= (NM_001168409.2); c.2478A>G, p.Ser826= (NM_001168410.2); c.657A>G, p.Ser219= (NM_001168411.2); c.2997A>G, p.Ser999= (NM_001350414.2); c.3093A>G, p.Ser1031= (NM_001350415.2); c.3042A>G, p.Ser1014= (NM_001350416.2); and 54 more.
Identifiers: ClinVar variation 357865 (VCV000357865.22), dbSNP rs61736795, ClinGen allele CA3886656.